The following is an entry in ClinVar:

ClinVar aggregate classification (germline): Uncertain significance (1 of 4 stars; one submission).

Allele frequency attached by ClinVar (database versions not stated): ExAC 0.00001; gnomAD exomes 0.00001.
gnomAD v4.1: 3 of 1,613,330 alleles (0.00019%); highest among the groups gnomAD compares: Admixed American, 0.0017%; no homozygotes.

Submission:

Labcorp Genetics (formerly Invitae), Labcorp
Classification: Uncertain significance. Last evaluated: 2023-08-11. Review status: criteria provided, single submitter. Criteria: Invitae Variant Classification Sherloc (09022015). Collection method: clinical testing. Allele origin: germline.
Comment: Advanced modeling of protein sequence and biophysical properties (such as structural, functional, and spatial information, amino acid conservation, physicochemical variation, residue mobility, and thermodynamic stability) performed at Invitae indicates that this missense variant is not expected to disrupt TNNI3K protein function. This variant has not been reported in the literature in individuals affected with TNNI3K-related conditions. This variant is present in population databases (rs747376388, gnomAD 0.003%). This sequence change replaces glycine, which is neutral and non-polar, with glutamic acid, which is acidic and polar, at codon 67 of the TNNI3K protein (p.Gly67Glu). In summary, the available evidence is currently insufficient to determine the role of this variant in disease. Therefore, it has been classified as a Variant of Uncertain Significance.

NM_015978.3(TNNI3K):c.200G>A (p.Gly67Glu)

Genes: FPGT-TNNI3K (FPGT-TNNI3K readthrough; plus strand), TNNI3K (TNNI3 interacting kinase; plus strand). Cytogenetic location: 1p31.1.
Variant type: single nucleotide variant.
Coding change: c.200G>A on transcript NM_015978.3 (MANE Select); coding-DNA position 200, G replaced by A.
Protein change: p.Gly67Glu; replaces glycine 67 with glutamic acid.
Molecular consequence: missense variant.
Genome position (GRCh38, 1-based): chr1:74,249,509, G>A. VCF-style: chr1-74249509-G-A. GRCh37 (hg19) VCF-style: chr1-74715193-G-A.
Other names: c.503G>A, p.Gly168Glu (NM_001112808.3, NM_001199327.2); short protein forms G168E, G67E.
Identifiers: ClinVar variation 2878988 (VCV002878988.3), dbSNP rs747376388, ClinGen allele CA908802.